The following is an entry in ClinVar:

NM_001297.5(CNGB1):c.416G>A (p.Cys139Tyr)

Gene: CNGB1 (cyclic nucleotide gated channel subunit beta 1; minus strand). Cytogenetic location: 16q21.
Variant type: single nucleotide variant.
Coding change: c.416G>A on transcript NM_001297.5 (MANE Select); coding-DNA position 416, G replaced by A.
Protein change: p.Cys139Tyr; replaces cysteine 139 with tyrosine.
Molecular consequence: missense variant.
Genome position (GRCh38, 1-based): chr16:57,962,607, C>T on the plus strand (G>A on the coding strand, the complement: CNGB1 is on the minus strand). VCF-style: chr16-57962607-C-T. GRCh37 (hg19) VCF-style: chr16-57996511-C-T.
Other names: c.416G>A, p.Cys139Tyr (NM_001135639.2, NM_001286130.2); c.416G>A (NM_001297.4); short protein forms C139Y.
Identifiers: ClinVar variation 1400569 (VCV001400569.5), dbSNP rs751079854, ClinGen allele CA8083829.

ClinVar aggregate classification (germline): Uncertain significance. Review status: criteria provided, multiple submitters, no conflicts (2 of 4 stars). 2 submissions from 2 submitters: Uncertain significance (2). Last evaluated 2024-02-21.

Conditions:
Inborn genetic diseases. Identifiers: MedGen C0950123, MeSH D030342.

Allele frequency attached by ClinVar (database versions not stated): gnomAD exomes below 0.00001 and 0.00001; ExAC 0.00001; gnomAD 0.00002 and 0.00003; TOPMed 0.00003.
gnomAD v4.1: 9 of 1,613,700 alleles (0.00056%); highest among the groups gnomAD compares: Admixed American, 0.005%; no homozygotes.

Submissions (2):

Ambry Genetics
Classification: Uncertain significance for Inborn genetic diseases. Last evaluated: 2024-02-21. Review status: criteria provided, single submitter. Criteria: Ambry Variant Classification Scheme 2023. Collection method: clinical testing. Allele origin: germline.

Labcorp Genetics (formerly Invitae), Labcorp
Classification: Uncertain significance. Last evaluated: 2021-09-14. Review status: criteria provided, single submitter. Criteria: Invitae Variant Classification Sherloc (09022015). Collection method: clinical testing. Allele origin: germline.
Comment: In summary, the available evidence is currently insufficient to determine the role of this variant in disease. Therefore, it has been classified as a Variant of Uncertain Significance. Advanced modeling of protein sequence and biophysical properties (such as structural, functional, and spatial information, amino acid conservation, physicochemical variation, residue mobility, and thermodynamic stability) performed at Invitae indicates that this missense variant is not expected to disrupt CNGB1 protein function. This variant is present in population databases (rs751079854, ExAC 0.001%). This variant has not been reported in the literature in individuals affected with CNGB1-related conditions. This sequence change replaces cysteine with tyrosine at codon 139 of the CNGB1 protein (p.Cys139Tyr). The cysteine residue is weakly conserved and there is a large physicochemical difference between cysteine and tyrosine.